The following is an entry in ClinVar:

NM_015981.4(CAMK2A):c.264C>T (p.Ile88=)

Gene: CAMK2A (calcium/calmodulin dependent protein kinase II alpha; minus strand). Cytogenetic location: 5q32.
Variant type: single nucleotide variant.
Coding change: c.264C>T on transcript NM_015981.4 (MANE Select); coding-DNA position 264, C replaced by T.
Protein change: p.Ile88=; no amino-acid change (isoleucine 88 retained).
Molecular consequence: synonymous variant.
Genome position (GRCh38, 1-based): chr5:150,257,571, G>A on the plus strand (C>T on the coding strand, the complement: CAMK2A is on the minus strand). VCF-style: chr5-150257571-G-A. GRCh37 (hg19) VCF-style: chr5-149637134-G-A.
Other names: c.264C>T, p.Ile88= (NM_001363989.1, NM_001363990.1, NM_001369025.2 and 1 more transcripts); c.264C>T (NM_015981.3).
Identifiers: ClinVar variation 1335605 (VCV001335605.36), dbSNP rs372258019, ClinGen allele CA3509918.
Genomic context (GRCh38, chr5:150,257,571, plus strand): 5'-GGTTAGGCAGCCCCAACACCGTTGGCGCATCCCAGGGCGGGGCCAAACTCACAGGTCGAA[G>A]ATCAGGTAGTGGTGTCCCTCCTCTGAGATGCTGTCATGTAGTCGGACTGTGGGCGGGGCA-3'
Protein context (NP_057065.2, residues 78-98): SISEEGHHYL[Ile88=]FDLVTGGELF

ClinVar aggregate classification (germline): Likely benign. Review status: criteria provided, multiple submitters, no conflicts (2 of 4 stars). 3 submissions from 3 submitters: Likely benign (2). 1 of the submissions does not count toward it. Last evaluated 2024-10-01.

Conditions:
CAMK2A-related disorder. Also called: CAMK2A-related condition.

Allele frequency attached by ClinVar (database versions not stated): gnomAD 0.00027 and 0.00030; gnomAD exomes 0.00028 and 0.00055; ESP Exome Variant Server 0.00032; TOPMed 0.00032; ExAC 0.00080.

Submissions (3):

CeGaT Center for Human Genetics Tuebingen
Classification: Likely benign. Last evaluated: 2024-10-01. Review status: criteria provided, single submitter. Criteria: CeGaT Center For Human Genetics Tuebingen Variant Classification Criteria Version 2. Collection method: clinical testing. Allele origin: germline. Affected: yes. Observed: 8 variant alleles.
Comment: CAMK2A: BP4, BP7

Breakthrough Genomics
Classification: Likely benign. Review status: criteria provided, single submitter. Criteria: ACMG Guidelines, 2015. Collection method: not provided. Allele origin: germline. Inheritance: Autosomal recessive inheritance. Affected: yes.

PreventionGenetics, part of Exact Sciences
Classification: Likely benign for CAMK2A-related condition. Last evaluated: 2019-06-21. Review status: no assertion criteria provided. Collection method: clinical testing. Allele origin: germline. Not counted in ClinVar's aggregate classification.
Comment: This variant is classified as likely benign based on ACMG/AMP sequence variant interpretation guidelines (Richards et al. 2015 PMID: 25741868, with internal and published modifications).